The following is an entry in ClinVar:

NM_001347721.2(DYRK1A):c.1756C>G (p.Gln586Glu)

Gene: DYRK1A (dual specificity tyrosine phosphorylation regulated kinase 1A; plus strand). Cytogenetic location: 21q22.13.
Variant type: single nucleotide variant.
Coding change: c.1756C>G on transcript NM_001347721.2 (MANE Select); coding-DNA position 1756, C replaced by G.
Protein change: p.Gln586Glu; replaces glutamine 586 with glutamic acid.
Molecular consequence: missense variant. On other transcripts: 3 prime UTR variant (2).
Genome position (GRCh38, 1-based): chr21:37,512,022, C>G. VCF-style: chr21-37512022-C-G. GRCh37 (hg19) VCF-style: chr21-38884325-C-G.
Other names: c.1756C>G, p.Gln586Glu (NM_001347722.2, NM_130436.2); c.1669C>G, p.Gln557Glu (NM_001347723.2); c.1783C>G, p.Gln595Glu (NM_001396.5); c.*159C>G (NM_101395.2); c.*68C>G (NM_130438.2); short protein forms Q595E, Q557E, Q586E.
Identifiers: ClinVar variation 2106771 (VCV002106771.4), dbSNP rs1555994701, ClinGen allele CA409939503.

ClinVar aggregate classification (germline): Uncertain significance (1 of 4 stars; one submission).

Conditions:
DYRK1A-related intellectual disability syndrome (MRD7). Also called: DYRK1A Syndrome; Intellectual developmental disorder, autosomal dominant 7. Identifiers: Orphanet 464306, MedGen C5568143, MONDO:0013578, OMIM 614104.

Submission:

Labcorp Genetics (formerly Invitae), Labcorp
Classification: Uncertain significance for DYRK1A-related intellectual disability syndrome. Last evaluated: 2025-01-27. Review status: criteria provided, single submitter. Criteria: Invitae Variant Classification Sherloc (09022015). Collection method: clinical testing. Allele origin: germline.
Comment: This sequence change replaces glutamine, which is neutral and polar, with glutamic acid, which is acidic and polar, at codon 595 of the DYRK1A protein (p.Gln595Glu). This variant is not present in population databases (gnomAD no frequency). This variant has not been reported in the literature in individuals affected with DYRK1A-related conditions. ClinVar contains an entry for this variant (Variation ID: 2106771). Invitae Evidence Modeling of protein sequence and biophysical properties (such as structural, functional, and spatial information, amino acid conservation, physicochemical variation, residue mobility, and thermodynamic stability) indicates that this missense variant is not expected to disrupt DYRK1A protein function with a negative predictive value of 95%. In summary, the available evidence is currently insufficient to determine the role of this variant in disease. Therefore, it has been classified as a Variant of Uncertain Significance.